The following is an entry in ClinVar:

NM_138773.4(SLC25A46):c.1078_1087dup (p.Asn363delinsThrSerAsnTer)

Gene: SLC25A46 (solute carrier family 25 member 46; plus strand). Cytogenetic location: 5q22.1.
Variant type: Duplication.
Coding change: c.1078_1087dup on transcript NM_138773.4 (MANE Select); coding-DNA positions 1078 to 1087, 10 bases duplicated (CTTCCAATTA; older notation c.1078_1087dupCTTCCAATTA).
Protein change: p.Asn363delinsThrSerAsnTer.
Molecular consequence: nonsense. On other transcripts: non-coding transcript variant (1).
Genome position (GRCh38, 1-based): chr5:110,761,603-110,761,612, CTTCCAATTA duplicated. VCF-style (leftmost placement, unchanged base first): chr5-110761602-G-GCTTCCAATTA. GRCh37 (hg19) VCF-style: chr5-110097302-G-GCTTCCAATTA.
Other names: c.835_844dup, p.Asn282delinsThrSerAsnTer (NM_001303249.3); c.805_814dup, p.Asn272delinsThrSerAsnTer (NM_001303250.3).
Identifiers: ClinVar variation 1437699 (VCV001437699.6), dbSNP rs1561610094, ClinGen allele CA915183656.

ClinVar aggregate classification (germline): Conflicting classifications of pathogenicity. Review status: criteria provided, conflicting classifications (1 of 4 stars). 3 submissions from 3 submitters: Likely pathogenic (2); Uncertain significance (1). Last evaluated 2021-10-17.

Conditions:
SLC25A46-related disorder. Also called: SLC25A46-related condition.
Inborn genetic diseases. Identifiers: MedGen C0950123, MeSH D030342.
Neuropathy, hereditary motor and sensory, type 6B (HMSN6B). Also called: HMSN VIB; CHARCOT-MARIE-TOOTH DISEASE, TYPE 6B; NEUROPATHY, HEREDITARY MOTOR AND SENSORY, TYPE VIB, WITH OPTIC ATROPHY; Neuropathy, hereditary motor and sensory, type VIB. Identifiers: MedGen C4225302, MONDO:0014671, OMIM 616505.

Allele frequency attached by ClinVar (database versions not stated): gnomAD exomes below 0.00001.

Submissions (3):

Blueprint Genetics
Classification: Likely pathogenic for SLC25A46-related disorders. Last evaluated: 2021-10-17. Review status: criteria provided, single submitter. Criteria: ACMG Guidelines, 2015. Collection method: clinical testing. Allele origin: germline. Affected: yes. Observed: 1 variant allele.

Labcorp Genetics (formerly Invitae), Labcorp
Classification: Uncertain significance for Neuropathy, hereditary motor and sensory, type 6B. Last evaluated: 2021-08-20. Review status: criteria provided, single submitter. Criteria: Invitae Variant Classification Sherloc (09022015). Collection method: clinical testing. Allele origin: germline.
Comment: This sequence change creates a premature translational stop signal (p.Asn363Thrfs*4) in the SLC25A46 gene. While this is not anticipated to result in nonsense mediated decay, it is expected to disrupt the last 56 amino acid(s) of the SLC25A46 protein. This variant is not present in population databases (ExAC no frequency). This variant has not been reported in the literature in individuals affected with SLC25A46-related conditions. This variant disrupts the C-terminus of the SLC25A46 protein. Other variant(s) that disrupt this region (p.Ala401Serfs*17) have been observed in individuals with SLC25A46-related conditions (PMID: 32259769). This suggests that this may be a clinically significant region of the protein. In summary, the available evidence is currently insufficient to determine the role of this variant in disease. Therefore, it has been classified as a Variant of Uncertain Significance.

Ambry Genetics
Classification: Likely pathogenic for Inborn genetic diseases. Last evaluated: 2020-01-09. Review status: criteria provided, single submitter. Criteria: Ambry Variant Classification Scheme 2023. Collection method: clinical testing. Allele origin: germline.
Comment: The c.1078_1087dup10 variant, located in coding exon 8 of the SLC25A46 gene, results from a duplication of CTTCCAATTA at nucleotide position 1078, causing a translational frameshift with a predicted alternate stop codon (p.N363Tfs*4). Frameshifts are typically deleterious in nature; however, this frameshift occurs at the 3' terminus of SLC25A46, is not expected to trigger nonsense-mediated mRNA decay, and impacts the last 56 amino acids of the protein which contain the mitochondrial carrier domain. While the exact functional impact of the removed amino acids is unknown at this time, this variant results in the removal of part of an important functional domain, and is expected to result in loss of function by premature protein truncation. Based on the majority of available evidence to date, this variant is likely to be pathogenic.

Literature cited by the submitters: PubMed 32259769 (cited by Labcorp Genetics (formerly Invitae), Labcorp).